The following is an entry in ClinVar:

NM_000895.3(LTA4H):c.990C>T (p.Cys330=)

Gene: LTA4H (leukotriene A4 hydrolase; minus strand). Cytogenetic location: 12q23.1.
Variant type: single nucleotide variant.
Coding change: c.990C>T on transcript NM_000895.3 (MANE Select); coding-DNA position 990, C replaced by T.
Protein change: p.Cys330=; no amino-acid change (cysteine 330 retained).
Molecular consequence: synonymous variant. On other transcripts: non-coding transcript variant (3).
Genome position (GRCh38, 1-based): chr12:96,015,652, G>A on the plus strand (C>T on the coding strand, the complement: LTA4H is on the minus strand). VCF-style: chr12-96015652-G-A. GRCh37 (hg19) VCF-style: chr12-96409430-G-A.
Other names: c.918C>T, p.Cys306= (NM_001256643.1, NM_001256644.1); c.990C>T, p.Cys330= (NM_001414263.1, NM_001414265.1); c.885C>T, p.Cys295= (NM_001414264.1); c.354C>T, p.Cys118= (NM_001414266.1).
Identifiers: ClinVar variation 2643223 (VCV002643223.24), dbSNP rs369690251, ClinGen allele CA6728487.

ClinVar aggregate classification (germline): Likely benign (1 of 4 stars; one submission).

Allele frequency attached by ClinVar (database versions not stated): ExAC 0.00011; gnomAD 0.00011; TOPMed 0.00011; ESP Exome Variant Server 0.00015.
gnomAD v4.1: 103 of 1,613,720 alleles (0.0064%); highest among the groups gnomAD compares: Middle Eastern, 0.016%; no homozygotes.

Submission:

CeGaT Center for Human Genetics Tuebingen
Classification: Likely benign. Last evaluated: 2022-04-01. Review status: criteria provided, single submitter. Criteria: CeGaT Center For Human Genetics Tuebingen Variant Classification Criteria Version 2. Collection method: clinical testing. Allele origin: germline. Affected: yes. Observed: 1 variant allele.
Comment: LTA4H: BP4, BP7